The following is an entry in ClinVar:

NM_003620.4(PPM1D):c.567C>T (p.His189=)

Genes: PPM1D (protein phosphatase, Mg2+/Mn2+ dependent 1D; plus strand), LOC129390907 (MPRA-validated peak2930 silencer; plus strand). Cytogenetic location: 17q23.2.
Variant type: single nucleotide variant.
Coding change: c.567C>T on transcript NM_003620.4 (MANE Select); coding-DNA position 567, C replaced by T.
Protein change: p.His189=; no amino-acid change (histidine 189 retained).
Molecular consequence: synonymous variant.
Genome position (GRCh38, 1-based): chr17:60,623,615, C>T. VCF-style: chr17-60623615-C-T. GRCh37 (hg19) VCF-style: chr17-58700976-C-T.
Identifiers: ClinVar variation 2152928 (VCV002152928.19), dbSNP rs561304932, ClinGen allele CA8687592.

ClinVar aggregate classification (germline): Benign/Likely benign. Review status: criteria provided, multiple submitters, no conflicts (2 of 4 stars). 3 submissions from 3 submitters: Benign (1); Likely benign (2). Last evaluated 2025-08-18.

Allele frequency attached by ClinVar (database versions not stated): TOPMed 0.00003; gnomAD 0.00014; 1000 Genomes Project 30x 0.00016; 1000 Genomes Project 0.00020; gnomAD exomes 0.00034; ExAC 0.00068.
gnomAD v4.1: 502 of 1,614,172 alleles (0.031%); highest among the groups gnomAD compares: South Asian, 0.51%; 5 homozygotes.

Submissions (3):

Labcorp Genetics (formerly Invitae), Labcorp
Classification: Benign. Last evaluated: 2025-08-18. Review status: criteria provided, single submitter. Criteria: Invitae Variant Classification Sherloc (09022015). Collection method: clinical testing. Allele origin: germline.

CeGaT Center for Human Genetics Tuebingen
Classification: Likely benign. Last evaluated: 2024-09-01. Review status: criteria provided, single submitter. Criteria: CeGaT Center For Human Genetics Tuebingen Variant Classification Criteria Version 2. Collection method: clinical testing. Allele origin: germline. Affected: yes. Observed: 1 variant allele.
Comment: PPM1D: BP4, BP7, BS1

Blueprint Genetics
Classification: Likely benign. Last evaluated: 2024-07-05. Review status: criteria provided, single submitter. Criteria: ACMG Guidelines, 2015. Collection method: clinical testing. Allele origin: germline.